The following is an entry in ClinVar:

ClinVar aggregate classification (germline): Likely benign. Review status: criteria provided, multiple submitters, no conflicts (2 of 4 stars). 3 submissions from 3 submitters: Likely benign (3). Last evaluated 2025-09-01.

Conditions:
Inborn genetic diseases. Identifiers: MedGen C0950123, MeSH D030342.

Allele frequency attached by ClinVar (database versions not stated): ExAC 0.00003.
gnomAD v4.1: 41 of 1,614,040 alleles (0.0025%); highest among the groups gnomAD compares: East Asian, 0.02%; no homozygotes.

Submissions (3):

CeGaT Center for Human Genetics Tuebingen
Classification: Likely benign. Last evaluated: 2025-09-01. Review status: criteria provided, single submitter. Criteria: CeGaT Center For Human Genetics Tuebingen Variant Classification Criteria Version 2. Collection method: clinical testing. Allele origin: germline. Affected: yes. Observed: 1 variant allele.
Comment: EPAS1: BP4, BP7

Labcorp Genetics (formerly Invitae), Labcorp
Classification: Likely benign. Last evaluated: 2025-07-14. Review status: criteria provided, single submitter. Criteria: Invitae Variant Classification Sherloc (09022015). Collection method: clinical testing. Allele origin: germline.

Ambry Genetics
Classification: Likely benign for Inborn genetic diseases. Last evaluated: 2022-04-29. Review status: criteria provided, single submitter. Criteria: Ambry Variant Classification Scheme 2023. Collection method: clinical testing. Allele origin: germline.

NM_001430.5(EPAS1):c.2541C>T (p.Asn847=)

Gene: EPAS1 (endothelial PAS domain protein 1; plus strand). Cytogenetic location: 2p21.
Variant type: single nucleotide variant.
Coding change: c.2541C>T on transcript NM_001430.5 (MANE Select); coding-DNA position 2541, C replaced by T.
Protein change: p.Asn847=; no amino-acid change (asparagine 847 retained).
Molecular consequence: synonymous variant.
Genome position (GRCh38, 1-based): chr2:46,384,588, C>T. VCF-style: chr2-46384588-C-T. GRCh37 (hg19) VCF-style: chr2-46611727-C-T.
Identifiers: ClinVar variation 1792830 (VCV001792830.10), dbSNP rs752476478, ClinGen allele CA1645398.
Genomic context (GRCh38, chr2:46,384,588, plus strand): 5'-CGGGCCCTCATTTGAGTCCTACCTGCTGCCCGAACTGACCAGATATGACTGTGAGGTGAA[C>T]GTGCCCGTGCTGGGAAGCTCCACGCTCCTGCAAGGAGGGGACCTCCTCAGAGCCCTGGAC-3'
Protein context (NP_001421.2, residues 837-857): PELTRYDCEV[Asn847=]VPVLGSSTLL